The following is an entry in ClinVar:

NM_000368.5(TSC1):c.790C>G (p.Leu264Val)

Gene: TSC1 (TSC complex subunit 1; minus strand). Cytogenetic location: 9q34.13.
Variant type: single nucleotide variant.
Coding change: c.790C>G on transcript NM_000368.5 (MANE Select); coding-DNA position 790, C replaced by G.
Protein change: p.Leu264Val; replaces leucine 264 with valine.
Molecular consequence: missense variant.
Genome position (GRCh38, 1-based): chr9:132,912,405, G>C on the plus strand (C>G on the coding strand, the complement: TSC1 is on the minus strand). VCF-style: chr9-132912405-G-C. GRCh37 (hg19) VCF-style: chr9-135787792-G-C.
Other names: c.790C>G, p.Leu264Val (NM_001162426.2, NM_001406592.1, NM_001406593.1 and 16 more transcripts); c.637C>G, p.Leu213Val (NM_001162427.2, NM_001406612.1, NM_001406613.1 and 2 more transcripts); c.427C>G, p.Leu143Val (NM_001362177.2, NM_001406614.1, NM_001406615.1 and 10 more transcripts); c.-162C>G (NM_001406626.1, NM_001406627.1, NM_001406628.1); c.-304C>G (NM_001406629.1, NM_001406630.1); short protein forms L143V, L213V, L264V.
Identifiers: ClinVar variation 1719406 (VCV001719406.7), dbSNP rs2132003184, ClinGen allele CA375369523.

ClinVar aggregate classification (germline): Uncertain significance. Review status: criteria provided, multiple submitters, no conflicts (2 of 4 stars). 2 submissions from 2 submitters: Uncertain significance (2). Last evaluated 2026-08-11.

Conditions:
Hereditary cancer-predisposing syndrome. Also called: Tumor predisposition; Hereditary neoplastic syndrome; Neoplastic Syndromes, Hereditary; Hereditary Cancer Syndrome. Identifiers: Orphanet 140162, MedGen C0027672, MeSH D009386, MONDO:0015356.
Tuberous sclerosis 1 (TSC1). Identifiers: Orphanet 805, MedGen C1854465, MONDO:0008612, OMIM 191100.

Submissions (2):

Ambry Genetics
Classification: Uncertain significance for Hereditary cancer-predisposing syndrome. Last evaluated: 2026-08-11. Review status: criteria provided, single submitter. Criteria: Ambry Variant Classification Scheme 2023. Collection method: clinical testing. Allele origin: germline.
Comment: The p.L264V variant (also known as c.790C>G), located in coding exon 7 of the TSC1 gene, results from a C to G substitution at nucleotide position 790. The leucine at codon 264 is replaced by valine, an amino acid with highly similar properties. This amino acid position is highly conserved in available vertebrate species. In addition, this alteration is predicted to be deleterious by in silico analysis. Based on the available evidence, the clinical significance of this variant remains unclear.

Labcorp Genetics (formerly Invitae), Labcorp
Classification: Uncertain significance for Tuberous sclerosis 1. Last evaluated: 2022-09-14. Review status: criteria provided, single submitter. Criteria: Invitae Variant Classification Sherloc (09022015). Collection method: clinical testing. Allele origin: germline.
Comment: This sequence change replaces leucine, which is neutral and non-polar, with valine, which is neutral and non-polar, at codon 264 of the TSC1 protein (p.Leu264Val). This variant is not present in population databases (gnomAD no frequency). This variant has not been reported in the literature in individuals affected with TSC1-related conditions. Advanced modeling of protein sequence and biophysical properties (such as structural, functional, and spatial information, amino acid conservation, physicochemical variation, residue mobility, and thermodynamic stability) performed at Invitae indicates that this missense variant is not expected to disrupt TSC1 protein function. In summary, the available evidence is currently insufficient to determine the role of this variant in disease. Therefore, it has been classified as a Variant of Uncertain Significance.